The following is an entry in ClinVar:

NM_012471.3(TRPC5):c.1071G>A (p.Gly357=)

Gene: TRPC5 (transient receptor potential cation channel subfamily C member 5; minus strand). Cytogenetic location: Xq23.
Variant type: single nucleotide variant.
Coding change: c.1071G>A on transcript NM_012471.3 (MANE Select); coding-DNA position 1071, G replaced by A.
Protein change: p.Gly357=; no amino-acid change (glycine 357 retained).
Molecular consequence: synonymous variant.
Genome position (GRCh38, 1-based): chrX:111,853,936, C>T on the plus strand (G>A on the coding strand, the complement: TRPC5 is on the minus strand). VCF-style: chrX-111853936-C-T. GRCh37 (hg19) VCF-style: chrX-111097164-C-T.
Identifiers: ClinVar variation 3032701 (VCV003032701.2), dbSNP rs374170663, ClinGen allele CA10494349.
Genomic context (GRCh38, chrX:111,853,936, plus strand): 5'-GAAGGTCAAATAGGATGCTGTGTGGCAGATAAACTTGATAAAGGGTTTCTTGATGAACAG[C>T]CCAAGGTTGCTCCTGGGTGAGATCAGGTAGGCTATAGACAGCATGGGAAACAGGAACCCA-3'
Protein context (NP_036603.1, residues 347-367): AYLISPRSNL[Gly357=]LFIKKPFIKF

ClinVar aggregate classification (germline): Likely benign (0 of 4 stars; one submission).

Conditions:
TRPC5-related disorder. Also called: TRPC5-related condition.

Allele frequency attached by ClinVar (database versions not stated): gnomAD exomes 0.00002; ExAC 0.00005; gnomAD 0.00015; ESP Exome Variant Server 0.00019; TOPMed 0.00020; 1000 Genomes Project 30x 0.00021; 1000 Genomes Project 0.00026.
gnomAD v4.1: 42 of 1,209,872 alleles (0.0035%); highest among the groups gnomAD compares: African/African-American, 0.072%; no homozygotes.

Submission:

PreventionGenetics, part of Exact Sciences
Classification: Likely benign for TRPC5-related condition. Last evaluated: 2022-12-12. Review status: no assertion criteria provided. Collection method: clinical testing. Allele origin: germline.
Comment: This variant is classified as likely benign based on ACMG/AMP sequence variant interpretation guidelines (Richards et al. 2015 PMID: 25741868, with internal and published modifications).